The following is an entry in ClinVar:

NM_003001.5(SDHC):c.222T>A (p.Thr74=)

Gene: SDHC (succinate dehydrogenase complex subunit C; plus strand). Cytogenetic location: 1q23.3.
Variant type: single nucleotide variant.
Coding change: c.222T>A on transcript NM_003001.5 (MANE Select); coding-DNA position 222, T replaced by A.
Protein change: p.Thr74=; no amino-acid change (threonine 74 retained).
Molecular consequence: synonymous variant. On other transcripts: non-coding transcript variant (1).
Genome position (GRCh38, 1-based): chr1:161,340,636, T>A. VCF-style: chr1-161340636-T-A. GRCh37 (hg19) VCF-style: chr1-161310426-T-A.
Other names: c.222T>A, p.Thr74= (NM_001035511.3); c.120T>A, p.Thr40= (NM_001035512.3, NM_001278172.3, NM_001407118.1); c.63T>A, p.Thr21= (NM_001035513.3); c.342T>A, p.Thr114= (NM_001407115.1); c.165T>A, p.Thr55= (NM_001407116.1, NM_001407117.1, NM_001407121.1); c.111T>A, p.Thr37= (NM_001407119.1, NM_001407120.1).
Identifiers: ClinVar variation 1788091 (VCV001788091.2), dbSNP rs2526445225, ClinGen allele CA421409248.

ClinVar aggregate classification (germline): Uncertain significance (1 of 4 stars; one submission).

Conditions:
Hereditary cancer-predisposing syndrome. Also called: Neoplastic Syndromes, Hereditary; Tumor predisposition; Hereditary Cancer Syndrome; Hereditary neoplastic syndrome. Identifiers: Orphanet 140162, MedGen C0027672, MeSH D009386, MONDO:0015356.

Submission:

Ambry Genetics
Classification: Uncertain significance for Hereditary cancer-predisposing syndrome. Last evaluated: 2021-09-15. Review status: criteria provided, single submitter. Criteria: Ambry Variant Classification Scheme 2023. Collection method: clinical testing. Allele origin: germline.
Comment: The c.222T>A variant (also known as p.T74T), located in coding exon 4 of the SDHC gene, results from a T to A substitution at nucleotide position 222. This nucleotide substitution does not change the amino acid at codon 74. This nucleotide position is well conserved in available vertebrate species. In silico splice site analysis predicts that this alteration may result in the creation or strengthening of a novel splice donor site. Since supporting evidence is limited at this time, the clinical significance of this alteration remains unclear.